The following is an entry in ClinVar:

NM_003072.5(SMARCA4):c.3841G>A (p.Val1281Ile)

Gene: SMARCA4 (SWI/SNF related BAF chromatin remodeling complex subunit ATPase 4; plus strand). Cytogenetic location: 19p13.2.
Variant type: single nucleotide variant.
Coding change: c.3841G>A on transcript NM_003072.5 (MANE Select); coding-DNA position 3841, G replaced by A.
Protein change: p.Val1281Ile; replaces valine 1281 with isoleucine.
Molecular consequence: missense variant. On other transcripts: intron variant (5).
Genome position (GRCh38, 1-based): chr19:11,033,833, G>A. VCF-style: chr19-11033833-G-A. GRCh37 (hg19) VCF-style: chr19-11144509-G-A.
Other names: c.3841G>A, p.Val1281Ile (NM_001128844.3, NM_001128849.3, NM_001387283.1); c.3775-290G>A (NM_001128847.4, NM_001374457.1, NM_001128845.2 and 2 more transcripts); short protein forms V1281I.
Identifiers: ClinVar variation 135254 (VCV000135254.20), dbSNP rs587778685, ClinGen allele CA162153.

ClinVar aggregate classification (germline): Conflicting classifications of pathogenicity. Review status: criteria provided, conflicting classifications (1 of 4 stars). 7 submissions from 7 submitters: Uncertain significance (4); Likely benign (2). 1 of the submissions does not count toward it. Last evaluated 2025-07-31.

Conditions:
Hereditary cancer-predisposing syndrome. Also called: Tumor predisposition; Hereditary neoplastic syndrome; Neoplastic Syndromes, Hereditary; Hereditary Cancer Syndrome. Identifiers: Orphanet 140162, MedGen C0027672, MeSH D009386, MONDO:0015356.
Intellectual disability, autosomal dominant 16 (CSS4). Also called: COFFIN-SIRIS SYNDROME 4. Identifiers: Orphanet 1465, MedGen C3553249, MONDO:0013821, OMIM 614609.
Rhabdoid tumor predisposition syndrome 2 (RTPS2). Identifiers: Orphanet 231108, Orphanet 69077, MedGen C2750074, MONDO:0013224, OMIM 613325.

Allele frequency attached by ClinVar (database versions not stated): gnomAD 0.00001; TOPMed 0.00002; ExAC 0.00003; gnomAD exomes 0.00003 and 0.00004.
gnomAD v4.1: 21 of 779,410 alleles (0.0027%); highest among the groups gnomAD compares: South Asian, 0.019%; no homozygotes.

Submissions (7):

Quest Diagnostics Nichols Institute San Juan Capistrano
Classification: Likely benign. Last evaluated: 2025-07-31. Review status: criteria provided, single submitter. Criteria: Quest Diagnostics criteria. Collection method: clinical testing. Allele origin: unknown.

Labcorp Genetics (formerly Invitae), Labcorp
Classification: Uncertain significance for Rhabdoid tumor predisposition syndrome 2. Last evaluated: 2024-12-20. Review status: criteria provided, single submitter. Criteria: Invitae Variant Classification Sherloc (09022015). Collection method: clinical testing. Allele origin: germline.
Comment: This sequence change replaces valine, which is neutral and non-polar, with isoleucine, which is neutral and non-polar, at codon 1281 of the SMARCA4 protein (p.Val1281Ile). This variant is present in population databases (rs587778685, gnomAD 0.02%). This variant has not been reported in the literature in individuals affected with SMARCA4-related conditions. ClinVar contains an entry for this variant (Variation ID: 135254). An algorithm developed to predict the effect of missense changes on protein structure and function (PolyPhen-2) suggests that this variant¬†is likely to be tolerated. In summary, the available evidence is currently insufficient to determine the role of this variant in disease. Therefore, it has been classified as a Variant of Uncertain Significance.

GeneDx
Classification: Uncertain significance. Last evaluated: 2023-03-23. Review status: criteria provided, single submitter. Criteria: GeneDx Variant Classification Process June 2021. Collection method: clinical testing. Allele origin: germline. Affected: yes.
Comment: Identified in healthy individuals undergoing whole genome sequencing (Bodian et al., 2014); In silico analysis supports that this missense variant does not alter protein structure/function; This variant is associated with the following publications: (PMID: 36237254, 24728327)

Ambry Genetics
Classification: Likely benign for Hereditary cancer-predisposing syndrome. Last evaluated: 2022-11-21. Review status: criteria provided, single submitter. Criteria: Ambry Variant Classification Scheme 2023. Collection method: clinical testing. Allele origin: germline.

Genome-Nilou Lab
Classification: Uncertain significance for Intellectual disability, autosomal dominant 16. Last evaluated: 2021-07-15. Review status: criteria provided, single submitter. Criteria: ACMG Guidelines, 2015. Collection method: clinical testing. Allele origin: germline. Affected: no.

Breakthrough Genomics
Classification: Uncertain significance. Review status: criteria provided, single submitter. Criteria: ACMG Guidelines, 2015. Collection method: not provided. Allele origin: germline. Inheritance: Autosomal dominant inheritance. Affected: yes.

ITMI
No classification provided. Condition: AllHighlyPenetrant. Last evaluated: 2013-09-19. Review status: no classification provided. Collection method: reference population. Allele origin: germline. Not counted in ClinVar's aggregate classification.
Comment: Please see associated publication for description of ethnicities

Literature cited by the submitters: PubMed 24728327 (cited by 3 submitters); PubMed 33144586 (cited by Quest Diagnostics Nichols Institute San Juan Capistrano).